The following is an entry in ClinVar:

ClinVar aggregate classification (germline): Uncertain significance (1 of 4 stars; one submission).

Conditions:
Fanconi anemia (FA). Also called: Fanconi's anemia. Identifiers: Orphanet 84, MedGen C0015625, MeSH D005199, MONDO:0019391.

Submission:

Labcorp Genetics (formerly Invitae), Labcorp
Classification: Uncertain significance for Fanconi anemia. Last evaluated: 2023-08-28. Review status: criteria provided, single submitter. Criteria: Invitae Variant Classification Sherloc (09022015). Collection method: clinical testing. Allele origin: germline.
Comment: In summary, the available evidence is currently insufficient to determine the role of this variant in disease. Therefore, it has been classified as a Variant of Uncertain Significance. An algorithm developed to predict the effect of missense changes on protein structure and function (PolyPhen-2) suggests that this variant is likely to be disruptive. This variant has not been reported in the literature in individuals affected with FANCM-related conditions. This variant is not present in population databases (gnomAD no frequency). This sequence change replaces serine, which is neutral and polar, with asparagine, which is neutral and polar, at codon 245 of the FANCM protein (p.Ser245Asn).

NM_020937.4(FANCM):c.734G>A (p.Ser245Asn)

Gene: FANCM (FA complementation group M; plus strand). Cytogenetic location: 14q21.2.
Variant type: single nucleotide variant.
Coding change: c.734G>A on transcript NM_020937.4 (MANE Select); coding-DNA position 734, G replaced by A.
Protein change: p.Ser245Asn; replaces serine 245 with asparagine.
Molecular consequence: missense variant. On other transcripts: intron variant (1).
Genome position (GRCh38, 1-based): chr14:45,140,684, G>A. VCF-style: chr14-45140684-G-A. GRCh37 (hg19) VCF-style: chr14-45609887-G-A.
Other names: c.734G>A, p.Ser245Asn (NM_001308134.2); c.681+3443G>A (NM_001308133.2); short protein forms S245N.
Identifiers: ClinVar variation 2755841 (VCV002755841.3), dbSNP rs111298901, ClinGen allele CA389589141.
Genomic context (GRCh38, chr14:45,140,684, plus strand): 5'-TTCTTAAGGTTGTAAGAGAACTAGTCAAATATACAAATCACTTTAGAATCTTGGCTCTAA[G>A]TGCCACACCAGGTAGTGATATAAAGGTAAGTAAAATGTTTTTCCATTTATTACAGTTAAG-3'
Protein context (NP_065988.1, residues 235-255): YTNHFRILAL[Ser245Asn]ATPGSDIKAV